The following is an entry in ClinVar:

ClinVar aggregate classification (germline): Uncertain significance (1 of 4 stars; one submission).

Conditions:
Gastrointestinal defects and immunodeficiency syndrome 1 (GIDID1). Also called: Combined immunodeficiency-enteropathy spectrum. Identifiers: Orphanet 436252, MedGen C5968858, MONDO:0800030, OMIM 243150.

gnomAD v4.1: 1 of 1,610,884 alleles (0.000062%); highest among the groups gnomAD compares: East Asian, 0.0022%; no homozygotes.

Submission:

Victorian Clinical Genetics Services, Murdoch Childrens Research Institute
Classification: Uncertain significance for Gastrointestinal defects and immunodeficiency syndrome 1. Last evaluated: 2024-10-09. Review status: criteria provided, single submitter. Criteria: ACMG Guidelines, 2015. Collection method: clinical testing. Allele origin: germline. Inheritance: Autosomal recessive inheritance. Affected: yes.
Comment: Based on the classification scheme VCGS_Germline_v1.3.4, this variant is classified as VUS-3A Following criteria are met: 0102 - Loss of function is a known mechanism of disease in this gene and is associated with gastrointestinal defects and immunodeficiency syndrome, (MIM#243150). (I) 0106 - This gene is associated with autosomal recessive disease. (I) 0200 - Variant is predicted to result in a missense amino acid change from leucine to proline. (I) 0252 - This variant is homozygous. (I) 0301 - Variant is absent from gnomAD (both v2 and v3). (SP) 0309 - An alternative amino acid change at the same position has been observed in gnomAD (v2) (2 heterozygotes, 0 homozygotes). (I) 0502 - Missense variant with conflicting in silico predictions and uninformative conservation. (I) 0604 - Variant is not located in an established domain, motif, hotspot or informative constraint region. (I) 0705 - No comparable missense variants have previous evidence for pathogenicity. (I) 0809 - Previous evidence of pathogenicity for this variant is inconclusive. This variant has been observed in a thesis in an individual with immunodeficiency and enteropathy. However, as this is not a peer reviewed source, it has not been given any pathogenic weight in this curation (Deenichina 2022). (I) 0905 - No published segregation evidence has been identified for this variant. (I) 1007 - No published functional evidence has been identified for this variant. (I) 1102 - Strong phenotype match for this individual. (I) Legend: (SP) - Supporting pathogenic, (I) - Information, (SB) - Supporting benign

NM_020458.4(TTC7A):c.1355T>C (p.Leu452Pro)

Gene: TTC7A (tetratricopeptide repeat domain 7A; plus strand). Cytogenetic location: 2p21.
Variant type: single nucleotide variant.
Coding change: c.1355T>C on transcript NM_020458.4 (MANE Select); coding-DNA position 1355, T replaced by C.
Protein change: p.Leu452Pro; replaces leucine 452 with proline.
Molecular consequence: missense variant.
Genome position (GRCh38, 1-based): chr2:47,011,398, T>C. VCF-style: chr2-47011398-T-C. GRCh37 (hg19) VCF-style: chr2-47238537-T-C.
Other names: c.1355T>C, p.Leu452Pro (NM_001288951.2); c.1253T>C, p.Leu418Pro (NM_001288953.2); c.293T>C, p.Leu98Pro (NM_001288955.2); short protein forms L418P, L452P, L98P.
Identifiers: ClinVar variation 3377010 (VCV003377010.1).